The following is an entry in ClinVar:

ClinVar aggregate classification (germline): Likely benign. Review status: criteria provided, single submitter (1 of 4 stars). 2 submissions from 2 submitters: Likely benign (1). 1 of the submissions does not count toward it. Last evaluated 2026-09-01.

Conditions:
ADAMTS3-related disorder. Also called: ADAMTS3-related condition.

gnomAD v4.1: 125 of 1,613,584 alleles (0.0077%); highest among the groups gnomAD compares: Admixed American, 0.14%; no homozygotes.

Submissions (2):

CeGaT Center for Human Genetics Tuebingen
Classification: Likely benign. Last evaluated: 2026-09-01. Review status: criteria provided, single submitter. Criteria: CeGaT Center For Human Genetics Tuebingen Variant Classification Criteria Version 2. Collection method: clinical testing. Allele origin: germline. Affected: yes. Observed: 1 variant allele.
Comment: ADAMTS3: BP4, BP7

PreventionGenetics, part of Exact Sciences
Classification: Likely benign for ADAMTS3-related condition. Last evaluated: 2019-09-05. Review status: no assertion criteria provided. Collection method: clinical testing. Allele origin: germline. Not counted in ClinVar's aggregate classification.
Comment: This variant is classified as likely benign based on ACMG/AMP sequence variant interpretation guidelines (Richards et al. 2015 PMID: 25741868, with internal and published modifications).

NM_014243.3(ADAMTS3):c.2322G>A (p.Ser774=)

Gene: ADAMTS3 (ADAM metallopeptidase with thrombospondin type 1 motif 3; minus strand). Cytogenetic location: 4q13.3.
Variant type: single nucleotide variant.
Coding change: c.2322G>A on transcript NM_014243.3 (MANE Select); coding-DNA position 2322, G replaced by A.
Protein change: p.Ser774=; no amino-acid change (serine 774 retained).
Molecular consequence: synonymous variant.
Genome position (GRCh38, 1-based): chr4:72,304,019, C>T on the plus strand (G>A on the coding strand, the complement: ADAMTS3 is on the minus strand). VCF-style: chr4-72304019-C-T. GRCh37 (hg19) VCF-style: chr4-73169736-C-T.
Identifiers: ClinVar variation 3053627 (VCV003053627.3), dbSNP rs771401796, ClinGen allele CA2956658.